The following is an entry in ClinVar:

ClinVar aggregate classification (germline): Uncertain significance. Review status: criteria provided, multiple submitters, no conflicts (2 of 4 stars). 4 submissions from 4 submitters: Uncertain significance (4). Last evaluated 2026-01-13.

Conditions:
TMEM127-related disorder. Also called: TMEM127-related condition.
Hereditary cancer-predisposing syndrome. Also called: Neoplastic Syndromes, Hereditary; Hereditary Cancer Syndrome; Tumor predisposition; Hereditary neoplastic syndrome. Identifiers: Orphanet 140162, MedGen C0027672, MeSH D009386, MONDO:0015356.
Hereditary pheochromocytoma and paraganglioma. Also called: Hereditary paragangliomas and pheochromocytomas; Hereditary pheochromocytoma-paraganglioma; Hereditary Paraganglioma-Pheochromocytoma Syndromes. Identifiers: Orphanet 29072, MedGen C4274332, MONDO:0017366.

Allele frequency attached by ClinVar (database versions not stated): TOPMed 0.00002; gnomAD 0.00003.
gnomAD v4.1: 8 of 1,611,574 alleles (0.0005%); highest among the groups gnomAD compares: African/African-American, 0.0067%; no homozygotes.

Submissions (4):

PreventionGenetics, part of Exact Sciences
Classification: Uncertain significance for TMEM127-related condition. Last evaluated: 2026-01-13. Review status: criteria provided, single submitter. Criteria: ACMG Guidelines, 2015. Collection method: clinical testing. Allele origin: germline.
Comment: The TMEM127 c.221A>C variant is predicted to result in the amino acid substitution p.Tyr74Ser. This variant was reported in multiple individuals with phaeochromocytoma (Table S1, Currás-Freixes et al. 2015. PubMed ID: 26269449; Armaiz-Pena et al. 2021. PubMed ID: 33051659). Functional studies have suggested that this variant does not adversely affect protein function (Flores et al. 2020. PubMed ID: 32575117). This variant has an interpretation of uncertain significance in ClinVar (Variation ID: 486540). This variant is reported in 0.011% of alleles in individuals of African descent in gnomAD. At this time, the clinical significance of this variant is uncertain due to the absence of conclusive functional and genetic evidence.

Labcorp Genetics (formerly Invitae), Labcorp
Classification: Uncertain significance for Hereditary pheochromocytoma and paraganglioma. Last evaluated: 2025-12-30. Review status: criteria provided, single submitter. Criteria: Invitae Variant Classification Sherloc (09022015). Collection method: clinical testing. Allele origin: germline.
Comment: This sequence change replaces tyrosine, which is neutral and polar, with serine, which is neutral and polar, at codon 74 of the TMEM127 protein (p.Tyr74Ser). This variant is present in population databases (no rsID available, gnomAD 0.01%). This missense change has been observed in individual(s) with pheochromocytoma (PMID: 26269449, 33051659). ClinVar contains an entry for this variant (Variation ID: 486540). An algorithm developed to predict the effect of missense changes on protein structure and function outputs the following: PolyPhen-2: "Benign". The serine amino acid residue is found in multiple mammalian species, which suggests that this missense change does not adversely affect protein function. Experimental studies have shown that this missense change does not substantially affect TMEM127 function (PMID: 32575117). In summary, the available evidence is currently insufficient to determine the role of this variant in disease. Therefore, it has been classified as a Variant of Uncertain Significance.

Ambry Genetics
Classification: Uncertain significance for Hereditary cancer-predisposing syndrome. Last evaluated: 2025-12-17. Review status: criteria provided, single submitter. Criteria: Ambry Variant Classification Scheme 2023. Collection method: clinical testing. Allele origin: germline.
Comment: The p.Y74S variant (also known as c.221A>C), located in coding exon 1 of the TMEM127 gene, results from an A to C substitution at nucleotide position 221. The tyrosine at codon 74 is replaced by serine, an amino acid with dissimilar properties. This alteration was reported in one individual with sporadic pheochromocytoma or paraganglioma; tumor analysis revealed LOH for the corresponding wt allele, and this alteration was interpreted as deleterious by the study authors (Curr&aacute;s-Freixes M et al. J. Med. Genet. 2015 Oct;52:647-56). This amino acid position is well conserved in available vertebrate species. In addition, the in silico prediction for this alteration is inconclusive. Based on the available evidence, the clinical significance of this variant remains unclear.

Quest Diagnostics Nichols Institute San Juan Capistrano
Classification: Uncertain significance. Last evaluated: 2025-09-10. Review status: criteria provided, single submitter. Criteria: Quest Diagnostics criteria. Collection method: clinical testing. Allele origin: unknown.
Comment: The TMEM127 c.221A>C (p.Tyr74Ser) variant has been reported in individuals with pheochromocytoma (PMID: 26269449 (2015), 33051659 (2021)). A published functional study has reported that this variant does not have a deleterious impact on protein expression or localization (PMID: 32575117 (2020)). The frequency of this variant in the general population (Genome Aggregation Database) is uninformative in the assessment of its pathogenicity. Analysis of this variant using bioinformatics tools (i.e., MutationTaster and PolyPhen-2) for the prediction of the effect of amino acid changes on protein structure and function yielded conflicting predictions that this variant is benign or damaging. Based on the available information, we are unable to determine the clinical significance of this variant.

Literature cited by the submitters: PubMed 26269449 (cited by 3 submitters); PubMed 33051659 (cited by Labcorp Genetics (formerly Invitae), Labcorp and Quest Diagnostics Nichols Institute San Juan Capistrano); PubMed 32575117 (cited by Labcorp Genetics (formerly Invitae), Labcorp and Quest Diagnostics Nichols Institute San Juan Capistrano).

NM_017849.4(TMEM127):c.221A>C (p.Tyr74Ser)

Gene: TMEM127 (transmembrane protein 127; minus strand). Cytogenetic location: 2q11.2.
Variant type: single nucleotide variant.
Coding change: c.221A>C on transcript NM_017849.4 (MANE Select); coding-DNA position 221, A replaced by C.
Protein change: p.Tyr74Ser; replaces tyrosine 74 with serine.
Molecular consequence: missense variant.
Genome position (GRCh38, 1-based): chr2:96,265,161, T>G on the plus strand (A>C on the coding strand, the complement: TMEM127 is on the minus strand). VCF-style: chr2-96265161-T-G. GRCh37 (hg19) VCF-style: chr2-96930899-T-G.
Other names: c.221A>C, p.Tyr74Ser (NM_001193304.3); short protein forms Y74S.
Identifiers: ClinVar variation 486540 (VCV000486540.19), dbSNP rs747804736, ClinGen allele CA52419012.